The following is an entry in ClinVar:

NM_003664.5(AP3B1):c.2932C>T (p.Pro978Ser)

Gene: AP3B1 (adaptor related protein complex 3 subunit beta 1; minus strand). Cytogenetic location: 5q14.1.
Variant type: single nucleotide variant.
Coding change: c.2932C>T on transcript NM_003664.5 (MANE Select); coding-DNA position 2932, C replaced by T.
Protein change: p.Pro978Ser; replaces proline 978 with serine.
Molecular consequence: missense variant.
Genome position (GRCh38, 1-based): chr5:78,020,752, G>A on the plus strand (C>T on the coding strand, the complement: AP3B1 is on the minus strand). VCF-style: chr5-78020752-G-A. GRCh37 (hg19) VCF-style: chr5-77316576-G-A.
Other names: c.2785C>T, p.Pro929Ser (NM_001271769.2); short protein forms P978S, P929S.
Identifiers: ClinVar variation 648800 (VCV000648800.8), dbSNP rs1580247322, ClinGen allele CA360333362.

ClinVar aggregate classification (germline): Uncertain significance (1 of 4 stars; one submission).

Conditions:
Hermansky-Pudlak syndrome 2 (HPS2). Also called: Platelet defects and oculocutaneous albinism. Identifiers: Orphanet 183678, Orphanet 79430, MedGen C1842362, MONDO:0011997, OMIM 608233.

Submission:

Labcorp Genetics (formerly Invitae), Labcorp
Classification: Uncertain significance for Hermansky-Pudlak syndrome 2. Last evaluated: 2022-08-23. Review status: criteria provided, single submitter. Criteria: Invitae Variant Classification Sherloc (09022015). Collection method: clinical testing. Allele origin: germline.
Comment: ClinVar contains an entry for this variant (Variation ID: 648800). This variant has not been reported in the literature in individuals affected with AP3B1-related conditions. This variant is not present in population databases (gnomAD no frequency). This sequence change replaces proline, which is neutral and non-polar, with serine, which is neutral and polar, at codon 978 of the AP3B1 protein (p.Pro978Ser). Algorithms developed to predict the effect of missense changes on protein structure and function output the following: SIFT: "Deleterious"; PolyPhen-2: "Possibly Damaging"; Align-GVGD: "Class C0". The serine amino acid residue is found in multiple mammalian species, which suggests that this missense change does not adversely affect protein function. In summary, the available evidence is currently insufficient to determine the role of this variant in disease. Therefore, it has been classified as a Variant of Uncertain Significance.